The following is an entry in ClinVar:

ClinVar aggregate classification (germline): Uncertain significance (1 of 4 stars; one submission).

Conditions:
Distal myopathy with posterior leg and anterior hand involvement. Also called: WILLIAMS DISTAL MYOPATHY. Identifiers: Orphanet 63273, MedGen C3279722, MONDO:0013550, OMIM 614065.
Dilated Cardiomyopathy, Dominant.
Myofibrillar myopathy 5. Also called: Filaminopathy (type); FILAMINOPATHY, AUTOSOMAL DOMINANT. Identifiers: Orphanet 171445, MedGen C1836050, MONDO:0012289, OMIM 609524.
Hypertrophic cardiomyopathy 26. Also called: Cardiomyopathy, familial hypertrophic, 26. Identifiers: Orphanet 75249, MedGen C4310749, MONDO:0014883, OMIM 617047.

Allele frequency attached by ClinVar (database versions not stated): gnomAD 0.00001.
gnomAD v4.1: 9 of 1,609,414 alleles (0.00056%); highest among the groups gnomAD compares: African/African-American, 0.0013%; no homozygotes.

Submission:

Labcorp Genetics (formerly Invitae), Labcorp
Classification: Uncertain significance for Distal myopathy with posterior leg and anterior hand involvement; Myofibrillar myopathy 5; Hypertrophic cardiomyopathy 26. Last evaluated: 2022-01-06. Review status: criteria provided, single submitter. Criteria: Invitae Variant Classification Sherloc (09022015). Collection method: clinical testing. Allele origin: germline.
Comment: ClinVar contains an entry for this variant (Variation ID: 472151). In summary, the available evidence is currently insufficient to determine the role of this variant in disease. Therefore, it has been classified as a Variant of Uncertain Significance. Algorithms developed to predict the effect of missense changes on protein structure and function are either unavailable or do not agree on the potential impact of this missense change (SIFT: "Deleterious"; PolyPhen-2: "Probably Damaging"; Align-GVGD: "Class C0"). This missense change has been observed in individual(s) with hypertrophic cardiomyopathy (PMID: 30418145). This variant is not present in population databases (gnomAD no frequency). This sequence change replaces glycine, which is neutral and non-polar, with serine, which is neutral and polar, at codon 2299 of the FLNC protein (p.Gly2299Ser).

Literature cited by the submitters: PubMed 30418145.

NM_001458.5(FLNC):c.6895G>A (p.Gly2299Ser)

Genes: FLNC-AS1 (FLNC antisense RNA 1; minus strand), FLNC (filamin C; plus strand). Cytogenetic location: 7q32.1.
Variant type: single nucleotide variant.
Coding change: c.6895G>A on transcript NM_001458.5 (MANE Select); coding-DNA position 6895, G replaced by A.
Protein change: p.Gly2299Ser; replaces glycine 2299 with serine.
Molecular consequence: missense variant.
Genome position (GRCh38, 1-based): chr7:128,854,580, G>A. VCF-style: chr7-128854580-G-A. GRCh37 (hg19) VCF-style: chr7-128494634-G-A.
Other names: c.6796G>A, p.Gly2266Ser (NM_001127487.2); short protein forms G2299S, G2266S.
Identifiers: ClinVar variation 472151 (VCV000472151.9), dbSNP rs756870838, ClinGen allele CA369214094.